The following is an entry in ClinVar:

ClinVar aggregate classification (germline): Uncertain significance (1 of 4 stars; one submission).

Conditions:
Lower motor neuron syndrome with late-adult onset (SMAJ). Also called: Spinal muscular atrophy, Jokela type; Late-Onset Spinal Motor Neuronopathy (SMAJ). Identifiers: Orphanet 276435, MedGen C3554398, MONDO:0014025, OMIM 615048.
Autosomal dominant mitochondrial myopathy with exercise intolerance (IMMD). Also called: Myopathy, isolated mitochondrial, autosomal dominant. Identifiers: Orphanet 457050, MedGen C4015513, MONDO:0014532, OMIM 616209.
Frontotemporal dementia and/or amyotrophic lateral sclerosis 2. Also called: FTDALS2. Identifiers: Orphanet 275872, MedGen C4014648, MONDO:0014395, OMIM 615911.

Submission:

Labcorp Genetics (formerly Invitae), Labcorp
Classification: Uncertain significance for Lower motor neuron syndrome with late-adult onset; Frontotemporal dementia and/or amyotrophic lateral sclerosis 2; Autosomal dominant mitochondrial myopathy with exercise intolerance. Last evaluated: 2023-10-28. Review status: criteria provided, single submitter. Criteria: Invitae Variant Classification Sherloc (09022015). Collection method: clinical testing. Allele origin: germline.
Comment: This sequence change replaces proline, which is neutral and non-polar, with leucine, which is neutral and non-polar, at codon 29 of the CHCHD10 protein (p.Pro29Leu). This variant is not present in population databases (gnomAD no frequency). This variant has not been reported in the literature in individuals affected with CHCHD10-related conditions. Experimental studies and prediction algorithms are not available or were not evaluated, and the functional significance of this variant is currently unknown. In summary, the available evidence is currently insufficient to determine the role of this variant in disease. Therefore, it has been classified as a Variant of Uncertain Significance.

NM_213720.3(CHCHD10):c.86C>T (p.Pro29Leu)

Gene: CHCHD10 (coiled-coil-helix-coiled-coil-helix domain containing 10; minus strand). Cytogenetic location: 22q11.23.
Variant type: single nucleotide variant.
Coding change: c.86C>T on transcript NM_213720.3 (MANE Select); coding-DNA position 86, C replaced by T.
Protein change: p.Pro29Leu; replaces proline 29 with leucine.
Molecular consequence: missense variant.
Genome position (GRCh38, 1-based): chr22:23,767,549, G>A on the plus strand (C>T on the coding strand, the complement: CHCHD10 is on the minus strand). VCF-style: chr22-23767549-G-A. GRCh37 (hg19) VCF-style: chr22-24109736-G-A.
Other names: c.86C>T, p.Pro29Leu (NM_001301339.2); short protein forms P29L.
Identifiers: ClinVar variation 2922556 (VCV002922556.3), dbSNP rs2517622921, ClinGen allele CA410916830.
Genomic context (GRCh38, chr22:23,767,549, plus strand): 5'-GCCATCTGAGCCATGAGCCCCGGCTGGCCCGAAGGGGCGGGGGCTGGGGCGGCTGCCGAG[G>A]GCGGTGGGTGCGCGGGCGGGTGGGCAGAGGGCGCGGCTGGGCGGCTGCGGGGGTGGGAGG-3'
Protein context (NP_998885.1, residues 19-39): PSAHPPAHPP[Pro29Leu]SAAAPAPAPS